The following is an entry in ClinVar:

ClinVar aggregate classification (germline): Uncertain significance (1 of 4 stars; one submission).

Submission:

Labcorp Genetics (formerly Invitae), Labcorp
Classification: Uncertain significance. Last evaluated: 2024-06-17. Review status: criteria provided, single submitter. Criteria: Invitae Variant Classification Sherloc (09022015). Collection method: clinical testing. Allele origin: germline.
Comment: This sequence change replaces methionine, which is neutral and non-polar, with isoleucine, which is neutral and non-polar, at codon 421 of the PHEX protein (p.Met421Ile). This variant is not present in population databases (gnomAD no frequency). This variant has not been reported in the literature in individuals affected with PHEX-related conditions. Advanced modeling of protein sequence and biophysical properties (such as structural, functional, and spatial information, amino acid conservation, physicochemical variation, residue mobility, and thermodynamic stability) performed at Invitae indicates that this missense variant is expected to disrupt PHEX protein function with a positive predictive value of 80%. In summary, the available evidence is currently insufficient to determine the role of this variant in disease. Therefore, it has been classified as a Variant of Uncertain Significance.

NM_000444.6(PHEX):c.1263G>A (p.Met421Ile)

Gene: PHEX (phosphate regulating endopeptidase X-linked; plus strand). Cytogenetic location: Xp22.11.
Variant type: single nucleotide variant.
Coding change: c.1263G>A on transcript NM_000444.6 (MANE Select); coding-DNA position 1263, G replaced by A.
Protein change: p.Met421Ile; replaces methionine 421 with isoleucine.
Molecular consequence: missense variant.
Genome position (GRCh38, 1-based): chrX:22,114,547, G>A. VCF-style: chrX-22114547-G-A. GRCh37 (hg19) VCF-style: chrX-22132665-G-A.
Other names: c.1263G>A, p.Met421Ile (NM_001282754.2); short protein forms M421I.
Identifiers: ClinVar variation 2831757 (VCV002831757.3), dbSNP rs2518520720, ClinGen allele CA412573604.